The following is an entry in ClinVar:

ClinVar aggregate classification (germline): Uncertain significance. Review status: criteria provided, multiple submitters, no conflicts (2 of 4 stars). 2 submissions from 2 submitters: Uncertain significance (2). Last evaluated 2022-09-07.

Conditions:
Cardiovascular phenotype. Identifiers: MedGen CN230736.
Dilated cardiomyopathy 1KK (CMD1KK). Identifiers: Orphanet 154, Orphanet 75249, MedGen C3714995, MONDO:0014100, OMIM 615248.

Allele frequency attached by ClinVar (database versions not stated): TOPMed below 0.00001; gnomAD 0.00001.
gnomAD v4.1: 15 of 1,612,616 alleles (0.00093%); highest among the groups gnomAD compares: South Asian, 0.0033%; no homozygotes.

Submissions (2):

Ambry Genetics
Classification: Uncertain significance for Cardiovascular phenotype. Last evaluated: 2022-09-07. Review status: criteria provided, single submitter. Criteria: Ambry Variant Classification Scheme 2023. Collection method: clinical testing. Allele origin: germline.
Comment: The p.V361F variant (also known as c.1081G>T), located in coding exon 3 of the MYPN gene, results from a G to T substitution at nucleotide position 1081. The valine at codon 361 is replaced by phenylalanine, an amino acid with highly similar properties. This variant was detected in a cardiomyopathy/arrhythmia genetic testing cohort; however, clinical details were limited (van Lint FHM et al. Neth Heart J, 2019 Jun;27:304-309). This amino acid position is not well conserved in available vertebrate species. In addition, this alteration is predicted to be tolerated by in silico analysis. Since supporting evidence is limited at this time, the clinical significance of this alteration remains unclear.

Labcorp Genetics (formerly Invitae), Labcorp
Classification: Uncertain significance for Dilated cardiomyopathy 1KK. Last evaluated: 2022-07-19. Review status: criteria provided, single submitter. Criteria: Invitae Variant Classification Sherloc (09022015). Collection method: clinical testing. Allele origin: germline.
Comment: This sequence change replaces valine, which is neutral and non-polar, with phenylalanine, which is neutral and non-polar, at codon 361 of the MYPN protein (p.Val361Phe). In summary, the available evidence is currently insufficient to determine the role of this variant in disease. Therefore, it has been classified as a Variant of Uncertain Significance. Algorithms developed to predict the effect of missense changes on protein structure and function (SIFT, PolyPhen-2, Align-GVGD) all suggest that this variant is likely to be tolerated. ClinVar contains an entry for this variant (Variation ID: 1414251). This missense change has been observed in individual(s) with clinical features of MYPN-related conditions (PMID: 30847666). This variant is present in population databases (rs527628617, gnomAD 0.006%).

Literature cited by the submitters: PubMed 30847666 (cited by Ambry Genetics and Labcorp Genetics (formerly Invitae), Labcorp).

NM_032578.4(MYPN):c.1081G>T (p.Val361Phe)

Gene: MYPN (myopalladin; plus strand). Cytogenetic location: 10q21.3.
Variant type: single nucleotide variant.
Coding change: c.1081G>T on transcript NM_032578.4 (MANE Select); coding-DNA position 1081, G replaced by T.
Protein change: p.Val361Phe; replaces valine 361 with phenylalanine.
Molecular consequence: missense variant. On other transcripts: non-coding transcript variant (2).
Genome position (GRCh38, 1-based): chr10:68,145,477, G>T. VCF-style: chr10-68145477-G-T. GRCh37 (hg19) VCF-style: chr10-69905234-G-T.
Other names: c.1081G>T, p.Val361Phe (NM_001256267.2); c.199G>T, p.Val67Phe (NM_001256268.2); short protein forms V67F, V361F.
Identifiers: ClinVar variation 1414251 (VCV001414251.6), dbSNP rs527628617, ClinGen allele CA5522430.
Genomic context (GRCh38, chr10:68,145,477, plus strand): 5'-GAACCAATTTAAGAAATTGTCATCTTAACAATCTTATGTCTTGTTTTTATTTTTCCAGGG[G>T]TTTCTTCTTCTGACTCAGAAGGCGACCCTAACAAGGAAGAGATGAATCGGTAATTCTGAT-3'
Protein context (NP_115967.2, residues 351-371): STSAEIYIEG[Val361Phe]SSSDSEGDPN